The following is an entry in ClinVar:

NM_173076.3(ABCA12):c.2592+6A>C

Gene: ABCA12 (ATP binding cassette subfamily A member 12; minus strand). Cytogenetic location: 2q35.
Variant type: single nucleotide variant.
Coding change: c.2592+6A>C on transcript NM_173076.3 (MANE Select); 6 bases into the intron after coding-DNA position 2592, A replaced by C.
Molecular consequence: intron variant.
Genome position (GRCh38, 1-based): chr2:215,007,721, T>G on the plus strand (A>C on the coding strand, the complement: ABCA12 is on the minus strand). VCF-style: chr2-215007721-T-G. GRCh37 (hg19) VCF-style: chr2-215872445-T-G.
Other names: c.1638+6A>C (NM_015657.4); c.2592+6A>C (NM_173076.2).
Identifiers: ClinVar variation 1430162 (VCV001430162.3), dbSNP rs375214951, ClinGen allele CA2091933.

ClinVar aggregate classification (germline): Uncertain significance. Review status: criteria provided, multiple submitters, no conflicts (2 of 4 stars). 2 submissions from 2 submitters: Uncertain significance (2). Last evaluated 2023-05-10.

Allele frequency attached by ClinVar (database versions not stated): ExAC 0.00006; gnomAD exomes 0.00006; TOPMed 0.00006; gnomAD 0.00008 and 0.00009; ESP Exome Variant Server 0.00015.
gnomAD v4.1: 115 of 1,613,818 alleles (0.0071%); highest among the groups gnomAD compares: Non-Finnish European, 0.0089%; no homozygotes.

Submissions (2):

Women's Health and Genetics/Laboratory Corporation of America, LabCorp
Classification: Uncertain significance. Last evaluated: 2023-05-10. Review status: criteria provided, single submitter. Criteria: LabCorp Variant Classification Summary - May 2015. Collection method: clinical testing. Allele origin: germline.

Labcorp Genetics (formerly Invitae), Labcorp
Classification: Uncertain significance. Last evaluated: 2021-09-27. Review status: criteria provided, single submitter. Criteria: Invitae Variant Classification Sherloc (09022015). Collection method: clinical testing. Allele origin: germline.
Comment: This sequence change falls in intron 19 of the ABCA12 gene. It does not directly change the encoded amino acid sequence of the ABCA12 protein. It affects a nucleotide within the consensus splice site of the intron. This variant is present in population databases (rs375214951, ExAC 0.01%). This variant has not been reported in the literature in individuals affected with ABCA12-related conditions. Variants that disrupt the consensus splice site are a relatively common cause of aberrant splicing (PMID: 17576681, 9536098). Algorithms developed to predict the effect of sequence changes on RNA splicing suggest that this variant is not likely to affect RNA splicing. In summary, the available evidence is currently insufficient to determine the role of this variant in disease. Therefore, it has been classified as a Variant of Uncertain Significance.

Literature cited by the submitters: PubMed 17576681 (cited by Labcorp Genetics (formerly Invitae), Labcorp); PubMed 9536098 (cited by Labcorp Genetics (formerly Invitae), Labcorp).